The following is an entry in ClinVar:

NM_032634.4(PIGO):c.2114G>A (p.Arg705His)

Gene: PIGO (phosphatidylinositol glycan anchor biosynthesis class O; minus strand). Cytogenetic location: 9p13.3.
Variant type: single nucleotide variant.
Coding change: c.2114G>A on transcript NM_032634.4 (MANE Select); coding-DNA position 2114, G replaced by A.
Protein change: p.Arg705His; replaces arginine 705 with histidine.
Molecular consequence: missense variant. On other transcripts: intron variant (2).
Genome position (GRCh38, 1-based): chr9:35,091,773, C>T on the plus strand (G>A on the coding strand, the complement: PIGO is on the minus strand). VCF-style: chr9-35091773-C-T. GRCh37 (hg19) VCF-style: chr9-35091770-C-T.
Other names: c.1345-482G>A (NM_152850.4, NM_001201484.2); short protein forms R705H.
Identifiers: ClinVar variation 650027 (VCV000650027.6), dbSNP rs761836966, ClinGen allele CA5040496.

ClinVar aggregate classification (germline): Uncertain significance (1 of 4 stars; one submission).

Conditions:
Hyperphosphatasia with impaired intellectual development syndrome 2. Also called: Hyperphosphatasia with intellectual disability syndrome 2; GLYCOSYLPHOSPHATIDYLINOSITOL BIOSYNTHESIS DEFECT 6. Identifiers: Orphanet 247262, MedGen C3553637, MONDO:0013882, OMIM 614749.

Allele frequency attached by ClinVar (database versions not stated): gnomAD exomes 0.00001; TOPMed below 0.00001; ExAC 0.00001.
gnomAD v4.1: 12 of 1,612,330 alleles (0.00074%); highest among the groups gnomAD compares: Middle Eastern, 0.016%; no homozygotes.

Submission:

Labcorp Genetics (formerly Invitae), Labcorp
Classification: Uncertain significance for Hyperphosphatasia with impaired intellectual development syndrome 2. Last evaluated: 2021-08-28. Review status: criteria provided, single submitter. Criteria: Invitae Variant Classification Sherloc (09022015). Collection method: clinical testing. Allele origin: germline.
Comment: This sequence change replaces arginine with histidine at codon 705 of the PIGO protein (p.Arg705His). The arginine residue is highly conserved and there is a small physicochemical difference between arginine and histidine. This variant is present in population databases (rs761836966, ExAC 0.002%). This variant has not been reported in the literature in individuals affected with PIGO-related conditions. Algorithms developed to predict the effect of missense changes on protein structure and function are either unavailable or do not agree on the potential impact of this missense change (SIFT: "Deleterious"; PolyPhen-2: "Probably Damaging"; Align-GVGD: "Class C0"). In summary, the available evidence is currently insufficient to determine the role of this variant in disease. Therefore, it has been classified as a Variant of Uncertain Significance.